The following is an entry in ClinVar:

ClinVar aggregate classification (germline): Uncertain significance (1 of 4 stars; one submission).

Conditions:
Developmental and epileptic encephalopathy, 53. Also called: Epileptic encephalopathy, early infantile, 53. Identifiers: MedGen C4479313, MONDO:0033362, OMIM 617389.
Early-onset Parkinson disease 20. Also called: PARKINSON DISEASE 20, AUTOSOMAL RECESSIVE EARLY-ONSET. Identifiers: Orphanet 391411, MedGen C3809824, MONDO:0014233, OMIM 615530.

Submission:

Labcorp Genetics (formerly Invitae), Labcorp
Classification: Uncertain significance for Developmental and epileptic encephalopathy, 53; Early-onset Parkinson disease 20. Last evaluated: 2022-02-05. Review status: criteria provided, single submitter. Criteria: Invitae Variant Classification Sherloc (09022015). Collection method: clinical testing. Allele origin: germline.
Comment: This sequence change replaces serine, which is neutral and polar, with arginine, which is basic and polar, at codon 1034 of the SYNJ1 protein (p.Ser1034Arg). This variant is not present in population databases (gnomAD no frequency). This variant has not been reported in the literature in individuals affected with SYNJ1-related conditions. Algorithms developed to predict the effect of missense changes on protein structure and function are either unavailable or do not agree on the potential impact of this missense change (SIFT: "Deleterious"; PolyPhen-2: "Probably Damaging"; Align-GVGD: "Class C0"). In summary, the available evidence is currently insufficient to determine the role of this variant in disease. Therefore, it has been classified as a Variant of Uncertain Significance.

NM_203446.3(SYNJ1):c.2983A>C (p.Ser995Arg)

Gene: SYNJ1 (synaptojanin 1; minus strand). Cytogenetic location: 21q22.11.
Variant type: single nucleotide variant.
Coding change: c.2983A>C on transcript NM_203446.3 (MANE Select); coding-DNA position 2983, A replaced by C.
Protein change: p.Ser995Arg; replaces serine 995 with arginine.
Molecular consequence: missense variant.
Genome position (GRCh38, 1-based): chr21:32,650,238, T>G on the plus strand (A>C on the coding strand, the complement: SYNJ1 is on the minus strand). VCF-style: chr21-32650238-T-G. GRCh37 (hg19) VCF-style: chr21-34022548-T-G.
Other names: c.2983A>C, p.Ser995Arg (NM_001160302.2); c.2968A>C, p.Ser990Arg (NM_001160306.2); c.3100A>C, p.Ser1034Arg (NM_003895.4); short protein forms S1034R, S990R, S995R.
Identifiers: ClinVar variation 1514695 (VCV001514695.3), dbSNP rs1370000213, ClinGen allele CA410070563.